The following is an entry in ClinVar:

ClinVar aggregate classification (germline): Uncertain significance. Review status: criteria provided, multiple submitters, no conflicts (2 of 4 stars). 3 submissions from 3 submitters: Uncertain significance (2). 1 of the submissions does not count toward it. Last evaluated 2022-07-19.

Conditions:
GNE myopathy (NM). Also called: INCLUSION BODY MYOPATHY, HEREDITARY, AUTOSOMAL RECESSIVE; INCLUSION BODY MYOPATHY 2, AUTOSOMAL RECESSIVE; MYOPATHY, DISTAL, WITH OR WITHOUT RIMMED VACUOLES; NONAKA DISTAL MYOPATHY; IBM 2; Inclusion body myopathy autosomal recessive. Identifiers: Orphanet 602, MedGen C1853926, MONDO:0011603, OMIM 605820.
Sialuria. Also called: SIALURIA, FRENCH TYPE; Sialic Acid Storage Disease. Identifiers: Orphanet 3166, MedGen C0342853, MONDO:0010028, OMIM 269921.

Allele frequency attached by ClinVar (database versions not stated): gnomAD exomes below 0.00001.
gnomAD v4.1: 2 of 1,614,082 alleles (0.00012%); highest among the groups gnomAD compares: Non-Finnish European, 0.00017%; no homozygotes.

Submissions (3):

Labcorp Genetics (formerly Invitae), Labcorp
Classification: Uncertain significance for Sialuria; GNE myopathy. Last evaluated: 2022-07-19. Review status: criteria provided, single submitter. Criteria: Invitae Variant Classification Sherloc (09022015). Collection method: clinical testing. Allele origin: germline.
Comment: This sequence change replaces leucine, which is neutral and non-polar, with valine, which is neutral and non-polar, at codon 349 of the GNE protein (p.Leu349Val). This variant is not present in population databases (gnomAD no frequency). In summary, the available evidence is currently insufficient to determine the role of this variant in disease. Therefore, it has been classified as a Variant of Uncertain Significance. Algorithms developed to predict the effect of missense changes on protein structure and function (SIFT, PolyPhen-2, Align-GVGD) all suggest that this variant is likely to be disruptive. ClinVar contains an entry for this variant (Variation ID: 529877). This variant has not been reported in the literature in individuals affected with GNE-related conditions.

Revvity Omics, Revvity
Classification: Uncertain significance. Last evaluated: 2019-02-15. Review status: criteria provided, single submitter. Criteria: ACMG Guidelines, 2015. Collection method: clinical testing. Allele origin: germline.

Natera, Inc.
Classification: Uncertain significance for Nonaka myopathy. Last evaluated: 2021-05-07. Review status: no assertion criteria provided. Collection method: clinical testing. Allele origin: germline. Not counted in ClinVar's aggregate classification.

NM_005476.7(GNE):c.952C>G (p.Leu318Val)

Gene: GNE (glucosamine (UDP-N-acetyl)-2-epimerase/N-acetylmannosamine kinase; minus strand). Cytogenetic location: 9p13.3.
Variant type: single nucleotide variant.
Coding change: c.952C>G on transcript NM_005476.7 (MANE Select); coding-DNA position 952, C replaced by G.
Protein change: p.Leu318Val; replaces leucine 318 with valine.
Molecular consequence: missense variant.
Genome position (GRCh38, 1-based): chr9:36,233,950, G>C on the plus strand (C>G on the coding strand, the complement: GNE is on the minus strand). VCF-style: chr9-36233950-G-C. GRCh37 (hg19) VCF-style: chr9-36233947-G-C.
Other names: c.1045C>G, p.Leu349Val (NM_001128227.3); c.952C>G, p.Leu318Val (NM_001190383.3); c.622C>G, p.Leu208Val (NM_001190384.3); c.775C>G, p.Leu259Val (NM_001190388.2, NM_001374798.1); c.799C>G, p.Leu267Val (NM_001374797.1); short protein forms L349V, L318V, L208V, L267V, L259V.
Identifiers: ClinVar variation 529877 (VCV000529877.12), dbSNP rs1554661032, ClinGen allele CA373430510.
Genomic context (GRCh38, chr9:36,233,950, plus strand): 5'-GTCAGTTGAAGTATGAGCAAAGGTAAATACCTGTTTCTCTTCCAATCTGACGTGTTCCCA[G>C]GTTGATCACAGGTGTTCCAAAAGCTCCAACTTCTCGAACCCCACAGCTGCTGTTCCCAAT-3'
Protein context (NP_005467.1, residues 308-328): VGAFGTPVIN[Leu318Val]GTRQIGRETG